The following is an entry in ClinVar:

ClinVar aggregate classification (germline): Uncertain significance (1 of 4 stars; one submission).

Allele frequency attached by ClinVar (database versions not stated): gnomAD exomes below 0.00001; TOPMed below 0.00001; ExAC 0.00001.
gnomAD v4.1: 3 of 1,609,768 alleles (0.00019%); highest among the groups gnomAD compares: South Asian, 0.0022%; no homozygotes.

Submission:

Labcorp Genetics (formerly Invitae), Labcorp
Classification: Uncertain significance. Last evaluated: 2022-11-28. Review status: criteria provided, single submitter. Criteria: Invitae Variant Classification Sherloc (09022015). Collection method: clinical testing. Allele origin: germline.
Comment: This variant is present in population databases (rs778728633, gnomAD 0.003%). This variant has not been reported in the literature in individuals affected with STN1-related conditions. Advanced modeling of protein sequence and biophysical properties (such as structural, functional, and spatial information, amino acid conservation, physicochemical variation, residue mobility, and thermodynamic stability) performed at Invitae indicates that this missense variant is not expected to disrupt STN1 protein function. In summary, the available evidence is currently insufficient to determine the role of this variant in disease. Therefore, it has been classified as a Variant of Uncertain Significance. This sequence change replaces valine, which is neutral and non-polar, with methionine, which is neutral and non-polar, at codon 66 of the STN1 protein (p.Val66Met).

NM_024928.5(STN1):c.196G>A (p.Val66Met)

Gene: STN1 (STN1 subunit of CST complex; minus strand). Cytogenetic location: 10q24.33.
Variant type: single nucleotide variant.
Coding change: c.196G>A on transcript NM_024928.5 (MANE Select); coding-DNA position 196, G replaced by A.
Protein change: p.Val66Met; replaces valine 66 with methionine.
Molecular consequence: missense variant.
Genome position (GRCh38, 1-based): chr10:103,910,560, C>T on the plus strand (G>A on the coding strand, the complement: STN1 is on the minus strand). VCF-style: chr10-103910560-C-T. GRCh37 (hg19) VCF-style: chr10-105670318-C-T.
Other names: short protein forms V66M.
Identifiers: ClinVar variation 1999364 (VCV001999364.4), dbSNP rs778728633, ClinGen allele CA5676712.